The following is an entry in ClinVar:

ClinVar aggregate classification (germline): Uncertain significance. Review status: criteria provided, multiple submitters, no conflicts (2 of 4 stars). 2 submissions from 2 submitters: Uncertain significance (2). Last evaluated 2025-03-28.

Conditions:
Inborn genetic diseases. Identifiers: MedGen C0950123, MeSH D030342.
Hereditary spastic paraplegia 48. Also called: Spastic paraplegia 48; SPASTIC PARAPLEGIA 48, AUTOSOMAL RECESSIVE. Identifiers: Orphanet 306511, MedGen C3150901, MONDO:0013342, OMIM 613647.

Allele frequency attached by ClinVar (database versions not stated): ExAC 0.00001; gnomAD exomes 0.00001; ESP Exome Variant Server 0.00008.

Submissions (2):

Ambry Genetics
Classification: Uncertain significance for Inborn genetic diseases. Last evaluated: 2025-03-28. Review status: criteria provided, single submitter. Criteria: Ambry Variant Classification Scheme 2023. Collection method: clinical testing. Allele origin: germline.

Labcorp Genetics (formerly Invitae), Labcorp
Classification: Uncertain significance for Hereditary spastic paraplegia 48. Last evaluated: 2024-01-29. Review status: criteria provided, single submitter. Criteria: Invitae Variant Classification Sherloc (09022015). Collection method: clinical testing. Allele origin: germline.
Comment: This sequence change replaces proline, which is neutral and non-polar, with leucine, which is neutral and non-polar, at codon 733 of the AP5Z1 protein (p.Pro733Leu). This variant is present in population databases (rs368411117, gnomAD 0.02%). This variant has not been reported in the literature in individuals affected with AP5Z1-related conditions. ClinVar contains an entry for this variant (Variation ID: 2198394). Advanced modeling of protein sequence and biophysical properties (such as structural, functional, and spatial information, amino acid conservation, physicochemical variation, residue mobility, and thermodynamic stability) performed at Invitae indicates that this missense variant is not expected to disrupt AP5Z1 protein function with a negative predictive value of 80%. In summary, the available evidence is currently insufficient to determine the role of this variant in disease. Therefore, it has been classified as a Variant of Uncertain Significance.

NM_014855.3(AP5Z1):c.2198C>T (p.Pro733Leu)

Gene: AP5Z1 (adaptor related protein complex 5 subunit zeta 1; plus strand). Cytogenetic location: 7p22.1.
Variant type: single nucleotide variant.
Coding change: c.2198C>T on transcript NM_014855.3 (MANE Select); coding-DNA position 2198, C replaced by T.
Protein change: p.Pro733Leu; replaces proline 733 with leucine.
Molecular consequence: missense variant. On other transcripts: non-coding transcript variant (1).
Genome position (GRCh38, 1-based): chr7:4,791,159, C>T. VCF-style: chr7-4791159-C-T. GRCh37 (hg19) VCF-style: chr7-4830790-C-T.
Other names: c.1730C>T, p.Pro577Leu (NM_001364858.1); c.2198C>T (NM_014855.2); short protein forms P577L, P733L.
Identifiers: ClinVar variation 2198394 (VCV002198394.5), dbSNP rs368411117, ClinGen allele CA4138375.
Genomic context (GRCh38, chr7:4,791,159, plus strand): 5'-GACCTTCTTTCCCCAGGGCCTCTTTATTGCTGTCAAAGATGAGGACCCTGGCTCACAGTC[C>T]AGCCACCAGCTCCACGCACAGCGAGGAGGGCGCGGAAGCCATCCGTACCCGGGCCACAGA-3'
Protein context (NP_055670.1, residues 723-743): LSKMRTLAHS[Pro733Leu]ATSSTHSEEG